The following is an entry in ClinVar:

ClinVar aggregate classification (germline): Uncertain significance (1 of 4 stars; one submission).

Conditions:
Microcephaly, normal intelligence and immunodeficiency (NBS). Also called: BERLIN BREAKAGE SYNDROME; Immunodeficiency, microcephaly with normal intelligence; Nijmegen breakage syndrome; Microcephaly with normal intelligence immunodeficiency and lymphoreticular malignancies; Nonsyndromal microcephaly autosomal recessive with normal intelligence; Seemanova syndrome 2. Identifiers: Orphanet 647, MedGen C0398791, MONDO:0009623, OMIM 251260.

Submission:

Labcorp Genetics (formerly Invitae), Labcorp
Classification: Uncertain significance for Microcephaly, normal intelligence and immunodeficiency. Last evaluated: 2021-03-29. Review status: criteria provided, single submitter. Criteria: Invitae Variant Classification Sherloc (09022015). Collection method: clinical testing. Allele origin: germline.
Comment: Algorithms developed to predict the effect of missense changes on protein structure and function output the following: SIFT: "Tolerated"; PolyPhen-2: "Benign"; Align-GVGD: "Class C0". The asparagine amino acid residue is found in multiple mammalian species, suggesting that this missense change does not adversely affect protein function. These predictions have not been confirmed by published functional studies and their clinical significance is uncertain. This sequence change replaces lysine with asparagine at codon 627 of the NBN protein (p.Lys627Asn). The lysine residue is weakly conserved and there is a moderate physicochemical difference between lysine and asparagine. This variant is not present in population databases (ExAC no frequency). This variant has not been reported in the literature in individuals with NBN-related conditions. In summary, the available evidence is currently insufficient to determine the role of this variant in disease. Therefore, it has been classified as a Variant of Uncertain Significance.

NM_002485.5(NBN):c.1881G>T (p.Lys627Asn)

Genes: NBN (nibrin; minus strand), LOC126860438 (MED14-independent group 3 enhancer GRCh37_chr8:90959982-90961181; plus strand). Cytogenetic location: 8q21.3.
Variant type: single nucleotide variant.
Coding change: c.1881G>T on transcript NM_002485.5 (MANE Select); coding-DNA position 1881, G replaced by T.
Protein change: p.Lys627Asn; replaces lysine 627 with asparagine.
Molecular consequence: missense variant.
Genome position (GRCh38, 1-based): chr8:89,947,857, C>A on the plus strand (G>T on the coding strand, the complement: NBN is on the minus strand). VCF-style: chr8-89947857-C-A. GRCh37 (hg19) VCF-style: chr8-90960085-C-A.
Other names: c.1635G>T, p.Lys545Asn (NM_001024688.3); short protein forms K627N, K545N.
Identifiers: ClinVar variation 1468831 (VCV001468831.8), dbSNP rs2129660206, ClinGen allele CA371677248.